The following is an entry in ClinVar:

NM_025179.4(PLXNA2):c.4252G>C (p.Glu1418Gln)

Gene: PLXNA2 (plexin A2; minus strand). Cytogenetic location: 1q32.2.
Variant type: single nucleotide variant.
Coding change: c.4252G>C on transcript NM_025179.4 (MANE Select); coding-DNA position 4252, G replaced by C.
Protein change: p.Glu1418Gln; replaces glutamic acid 1418 with glutamine.
Molecular consequence: missense variant.
Genome position (GRCh38, 1-based): chr1:208,042,132, C>G on the plus strand (G>C on the coding strand, the complement: PLXNA2 is on the minus strand). VCF-style: chr1-208042132-C-G. GRCh37 (hg19) VCF-style: chr1-208215477-C-G.
Other names: short protein forms E1418Q.
Identifiers: ClinVar variation 4988975 (VCV004988975.1).

ClinVar aggregate classification (germline): Uncertain significance (1 of 4 stars; one submission).

Conditions:
PLXNA2-related disorder. Also called: PLXNA2-related condition.

Submission:

PreventionGenetics, part of Exact Sciences
Classification: Uncertain significance for PLXNA2-related condition. Last evaluated: 2026-03-25. Review status: criteria provided, single submitter. Criteria: ACMG Guidelines, 2015. Collection method: clinical testing. Allele origin: germline.
Comment: The PLXNA2 c.4252G>C variant is predicted to result in the amino acid substitution p.Glu1418Gln. To our knowledge, this variant has not been reported in the literature or in a large population database (gnomAD), indicating this variant is rare. At this time, the clinical significance of this variant is uncertain due to the absence of conclusive functional and genetic evidence.